The following is an entry in ClinVar:

NM_024642.5(GALNT12):c.271C>G (p.Leu91Val)

Gene: GALNT12 (polypeptide N-acetylgalactosaminyltransferase 12; plus strand). Cytogenetic location: 9q22.33.
Variant type: single nucleotide variant.
Coding change: c.271C>G on transcript NM_024642.5 (MANE Select); coding-DNA position 271, C replaced by G.
Protein change: p.Leu91Val; replaces leucine 91 with valine.
Molecular consequence: missense variant.
Genome position (GRCh38, 1-based): chr9:98,807,969, C>G. VCF-style: chr9-98807969-C-G. GRCh37 (hg19) VCF-style: chr9-101570251-C-G.
Other names: short protein forms L91V.
Identifiers: ClinVar variation 1795160 (VCV001795160.7), dbSNP rs1835414168, ClinGen allele CA374222711.

ClinVar aggregate classification (germline): Uncertain significance. Review status: criteria provided, multiple submitters, no conflicts (2 of 4 stars). 2 submissions from 2 submitters: Uncertain significance (2). Last evaluated 2025-01-23.

Allele frequency attached by ClinVar (database versions not stated): gnomAD 0.00001; TOPMed 0.00001.
gnomAD v4.1: 7 of 1,475,632 alleles (0.00047%); highest among the groups gnomAD compares: Middle Eastern, 0.024%; no homozygotes.

Submissions (2):

Ambry Genetics
Classification: Uncertain significance. Last evaluated: 2025-01-23. Review status: criteria provided, single submitter. Criteria: Ambry Variant Classification Scheme 2023. Collection method: clinical testing. Allele origin: germline.
Comment: The p.L91V variant (also known as c.271C>G), located in coding exon 1 of the GALNT12 gene, results from a C to G substitution at nucleotide position 271. The leucine at codon 91 is replaced by valine, an amino acid with highly similar properties. This amino acid position is not well conserved in available vertebrate species. In addition, this alteration is predicted to be tolerated by in silico analysis. Since supporting evidence is limited at this time, the clinical significance of this alteration remains unclear.

Labcorp Genetics (formerly Invitae), Labcorp
Classification: Uncertain significance. Last evaluated: 2023-12-14. Review status: criteria provided, single submitter. Criteria: Invitae Variant Classification Sherloc (09022015). Collection method: clinical testing. Allele origin: germline.
Comment: This sequence change replaces leucine, which is neutral and non-polar, with valine, which is neutral and non-polar, at codon 91 of the GALNT12 protein (p.Leu91Val). This variant is not present in population databases (gnomAD no frequency). This variant has not been reported in the literature in individuals affected with GALNT12-related conditions. ClinVar contains an entry for this variant (Variation ID: 1795160). Advanced modeling of protein sequence and biophysical properties (such as structural, functional, and spatial information, amino acid conservation, physicochemical variation, residue mobility, and thermodynamic stability) performed at Invitae indicates that this missense variant is not expected to disrupt GALNT12 protein function with a negative predictive value of 80%. In summary, the available evidence is currently insufficient to determine the role of this variant in disease. Therefore, it has been classified as a Variant of Uncertain Significance.